The following is an entry in ClinVar:

NM_013450.4(BAZ2B):c.2227C>T (p.Arg743Cys)

Gene: BAZ2B (bromodomain adjacent to zinc finger domain 2B; minus strand). Cytogenetic location: 2q24.2.
Variant type: single nucleotide variant.
Coding change: c.2227C>T on transcript NM_013450.4 (MANE Select); coding-DNA position 2227, C replaced by T.
Protein change: p.Arg743Cys; replaces arginine 743 with cysteine.
Molecular consequence: missense variant.
Genome position (GRCh38, 1-based): chr2:159,429,228, G>A on the plus strand (C>T on the coding strand, the complement: BAZ2B is on the minus strand). VCF-style: chr2-159429228-G-A. GRCh37 (hg19) VCF-style: chr2-160285739-G-A.
Other names: c.2221C>T, p.Arg741Cys (NM_001289975.1); c.2038C>T, p.Arg680Cys (NM_001329857.2); c.2227C>T, p.Arg743Cys (NM_001329858.2); short protein forms R680C, R741C, R743C.
Identifiers: ClinVar variation 4533706 (VCV004533706.6).

ClinVar aggregate classification (germline): Likely benign (1 of 4 stars; one submission).

gnomAD v4.1: 154 of 1,558,286 alleles (0.0099%); highest among the groups gnomAD compares: Non-Finnish European, 0.012%; 1 homozygote.

Submission:

CeGaT Center for Human Genetics Tuebingen
Classification: Likely benign. Last evaluated: 2025-10-01. Review status: criteria provided, single submitter. Criteria: CeGaT Center For Human Genetics Tuebingen Variant Classification Criteria Version 2. Collection method: clinical testing. Allele origin: germline. Affected: yes. Observed: 1 variant allele.
Comment: BAZ2B: BP4, BS2